The following is an entry in ClinVar:

NM_001378418.1(TCF20):c.2858dup (p.Pro954fs)

Gene: TCF20 (transcription factor 20; minus strand). Cytogenetic location: 22q13.2.
Variant type: Duplication.
Coding change: c.2858dup on transcript NM_001378418.1 (MANE Select); coding-DNA position 2858, one base duplicated (C; older notation c.2858dupC).
Protein change: p.Pro954fs; shifts the reading frame from proline 954.
Molecular consequence: frameshift variant.
Genome position (GRCh38, 1-based): chr22:42,212,448, G duplicated on the plus strand (C on the coding strand, the reverse complement: TCF20 is on the minus strand); the first of 2 consecutive G bases (chr22:42,212,448-42,212,449); duplicating either gives the same sequence. VCF-style (leftmost placement, unchanged base first): chr22-42212447-A-AG. GRCh37 (hg19) VCF-style: chr22-42608453-A-AG.
Other names: c.2858dup, p.Pro954fs (NM_005650.4, NM_181492.3); short protein forms P954fs.
Identifiers: ClinVar variation 5018583 (VCV005018583.1).

ClinVar aggregate classification (germline): Likely pathogenic (1 of 4 stars; one submission).

Conditions:
Developmental delay with variable intellectual impairment and behavioral abnormalities. Identifiers: MedGen C5193092, MONDO:0032745, OMIM 618430.

Submission:

Juno Genomics, Hangzhou Juno Genomics, Inc
Classification: Likely pathogenic for Developmental delay with variable intellectual impairment and behavioral abnormalities. Review status: criteria provided, single submitter. Criteria: ACMG Guidelines, 2015. Collection method: clinical testing. Allele origin: germline. Affected: yes.
Comment: Absent from controls (or at extremely low frequency if recessive) in Genome Aggregation Database.;Null variant in a gene where loss of function (LOF) is a known mechanism of disease.